The following is an entry in ClinVar:

NM_001999.4(FBN2):c.230G>T (p.Arg77Leu)

Gene: FBN2 (fibrillin 2; minus strand). Cytogenetic location: 5q23.3.
Variant type: single nucleotide variant.
Coding change: c.230G>T on transcript NM_001999.4 (MANE Select); coding-DNA position 230, G replaced by T.
Protein change: p.Arg77Leu; replaces arginine 77 with leucine.
Molecular consequence: missense variant.
Genome position (GRCh38, 1-based): chr5:128,537,374, C>A on the plus strand (G>T on the coding strand, the complement: FBN2 is on the minus strand). VCF-style: chr5-128537374-C-A. GRCh37 (hg19) VCF-style: chr5-127873067-C-A.
Other names: short protein forms R77L.
Identifiers: ClinVar variation 650734 (VCV000650734.11), dbSNP rs889066564, ClinGen allele CA127058837.

ClinVar aggregate classification (germline): Uncertain significance (1 of 4 stars; one submission).

Conditions:
Congenital contractural arachnodactyly (CCA). Also called: Arthrogryposis, distal, type 9; BEALS SYNDROME; Beals-Hecht syndrome. Identifiers: Orphanet 115, MedGen C0220668, MONDO:0007363, OMIM 121050.

Allele frequency attached by ClinVar (database versions not stated): gnomAD exomes below 0.00001; gnomAD 0.00001; TOPMed 0.00003.
gnomAD v4.1: 7 of 1,610,606 alleles (0.00043%); highest among the groups gnomAD compares: Non-Finnish European, 0.00059%; no homozygotes.

Submission:

Labcorp Genetics (formerly Invitae), Labcorp
Classification: Uncertain significance for Congenital contractural arachnodactyly. Last evaluated: 2026-01-26. Review status: criteria provided, single submitter. Criteria: Invitae Variant Classification Sherloc (09022015). Collection method: clinical testing. Allele origin: germline.
Comment: This sequence change replaces arginine, which is basic and polar, with leucine, which is neutral and non-polar, at codon 77 of the FBN2 protein (p.Arg77Leu). This variant is not present in population databases (gnomAD no frequency). This variant has not been reported in the literature in individuals affected with FBN2-related conditions. ClinVar contains an entry for this variant (Variation ID: 650734). Invitae Evidence Modeling of protein sequence and biophysical properties (such as structural, functional, and spatial information, amino acid conservation, physicochemical variation, residue mobility, and thermodynamic stability) indicates that this missense variant is not expected to disrupt FBN2 protein function with a negative predictive value of 80%. In summary, the available evidence is currently insufficient to determine the role of this variant in disease. Therefore, it has been classified as a Variant of Uncertain Significance.